The following is an entry in ClinVar:

ClinVar aggregate classification (germline): Uncertain significance (1 of 4 stars; one submission).

Conditions:
Inborn genetic diseases. Identifiers: MedGen C0950123, MeSH D030342.

Allele frequency attached by ClinVar (database versions not stated): gnomAD exomes below 0.00001.
gnomAD v4.1: 1 of 1,612,698 alleles (0.000062%); highest among the groups gnomAD compares: Non-Finnish European, 0.000085%; no homozygotes.

Submission:

Ambry Genetics
Classification: Uncertain significance for Inborn genetic diseases. Last evaluated: 2022-08-02. Review status: criteria provided, single submitter. Criteria: Ambry Variant Classification Scheme 2023. Collection method: clinical testing. Allele origin: germline.
Comment: The p.K846Q variant (also known as c.2536A>C), located in coding exon 16 of the INF2 gene, results from an A to C substitution at nucleotide position 2536. The lysine at codon 846 is replaced by glutamine, an amino acid with similar properties. This amino acid position is conserved. In addition, this alteration is predicted to be tolerated by in silico analysis. Since supporting evidence is limited at this time, the clinical significance of this alteration remains unclear.

NM_022489.4(INF2):c.2536A>C (p.Lys846Gln)

Gene: INF2 (inverted formin 2; plus strand). Cytogenetic location: 14q32.33.
Variant type: single nucleotide variant.
Coding change: c.2536A>C on transcript NM_022489.4 (MANE Select); coding-DNA position 2536, A replaced by C.
Protein change: p.Lys846Gln; replaces lysine 846 with glutamine.
Molecular consequence: missense variant.
Genome position (GRCh38, 1-based): chr14:104,712,479, A>C. VCF-style: chr14-104712479-A-C. GRCh37 (hg19) VCF-style: chr14-105178816-A-C.
Other names: c.2536A>C, p.Lys846Gln (NM_001031714.4); short protein forms K846Q.
Identifiers: ClinVar variation 1792762 (VCV001792762.2), dbSNP rs2541943311, ClinGen allele CA391221780.